The following is an entry in ClinVar:

NM_006269.2(RP1):c.3101A>G (p.His1034Arg)

Gene: RP1 (RP1 axonemal microtubule associated; plus strand). Cytogenetic location: 8q12.1.
Variant type: single nucleotide variant.
Coding change: c.3101A>G on transcript NM_006269.2 (MANE Select); coding-DNA position 3101, A replaced by G.
Protein change: p.His1034Arg; replaces histidine 1034 with arginine.
Molecular consequence: missense variant. On other transcripts: intron variant (1).
Genome position (GRCh38, 1-based): chr8:54,626,983, A>G. VCF-style: chr8-54626983-A-G. GRCh37 (hg19) VCF-style: chr8-55539543-A-G.
Other names: c.787+4695A>G (NM_001375654.1); short protein forms H1034R.
Identifiers: ClinVar variation 1001204 (VCV001001204.8), dbSNP rs148296108, ClinGen allele CA370995433.
Genomic context (GRCh38, chr8:54,626,983, plus strand): 5'-ATGCTTATTTGGTTCCCCTGCATGAACACTGTACTTTGTCACAGTCAGCTATTAATGATC[A>G]TAATACTAAAAGTCATATAGCTGCTGAAAAATCAGGACCAGAGAAAAAACTTGTTTACCA-3'
Protein context (NP_006260.1, residues 1024-1044): CTLSQSAIND[His1034Arg]NTKSHIAAEK

ClinVar aggregate classification (germline): Uncertain significance (1 of 4 stars; one submission).

Allele frequency attached by ClinVar (database versions not stated): TOPMed 0.00001.
gnomAD v4.1: 2 of 1,614,050 alleles (0.00012%); highest among the groups gnomAD compares: Non-Finnish European, 0.00017%; no homozygotes.

Submission:

Labcorp Genetics (formerly Invitae), Labcorp
Classification: Uncertain significance. Last evaluated: 2022-07-12. Review status: criteria provided, single submitter. Criteria: Invitae Variant Classification Sherloc (09022015). Collection method: clinical testing. Allele origin: germline.
Comment: This sequence change replaces histidine, which is basic and polar, with arginine, which is basic and polar, at codon 1034 of the RP1 protein (p.His1034Arg). This variant is not present in population databases (gnomAD no frequency). This missense change has been observed in individual(s) with autosomal dominant retinitis pigmentosa (PMID: 16799052). ClinVar contains an entry for this variant (Variation ID: 1001204). Algorithms developed to predict the effect of missense changes on protein structure and function output the following: SIFT: "Tolerated"; PolyPhen-2: "Benign"; Align-GVGD: "Class C0". The arginine amino acid residue is found in multiple mammalian species, which suggests that this missense change does not adversely affect protein function. This variant disrupts the p.His1034 amino acid residue in RP1. Other variant(s) that disrupt this residue have been observed in individuals with RP1-related conditions (PMID: 30718709), which suggests that this may be a clinically significant amino acid residue. In summary, the available evidence is currently insufficient to determine the role of this variant in disease. Therefore, it has been classified as a Variant of Uncertain Significance.

Literature cited by the submitters: PubMed 16799052; PubMed 30718709.